The following is an entry in ClinVar:

ClinVar aggregate classification (germline): Uncertain significance (1 of 4 stars; one submission).

Conditions:
Combined oxidative phosphorylation defect type 17. Also called: Combined oxidative phosphorylation deficiency 17. Identifiers: Orphanet 369913, MedGen C3809526, MONDO:0014190, OMIM 615440.

Submission:

Labcorp Genetics (formerly Invitae), Labcorp
Classification: Uncertain significance for Combined oxidative phosphorylation defect type 17. Last evaluated: 2022-07-12. Review status: criteria provided, single submitter. Criteria: Invitae Variant Classification Sherloc (09022015). Collection method: clinical testing. Allele origin: germline.
Comment: Algorithms developed to predict the effect of missense changes on protein structure and function are either unavailable or do not agree on the potential impact of this missense change (SIFT: "Not Available"; PolyPhen-2: "Probably Damaging"; Align-GVGD: "Not Available"). In summary, the available evidence is currently insufficient to determine the role of this variant in disease. Therefore, it has been classified as a Variant of Uncertain Significance. ClinVar contains an entry for this variant (Variation ID: 1373989). This sequence change replaces threonine with methionine at codon 520 of the ELAC2 protein (p.Thr520Met). The threonine residue is highly conserved and there is a moderate physicochemical difference between threonine and methionine. Information on the frequency of this variant in the gnomAD database is not available, as this variant may be reported differently in the database. This variant has not been reported in the literature in individuals affected with ELAC2-related conditions.

NM_018127.7(ELAC2):c.1559_1560inv (p.Thr520Met)

Gene: ELAC2 (elaC ribonuclease Z 2; minus strand). Cytogenetic location: 17p12.
Variant type: Inversion.
Coding change: c.1559_1560inv on transcript NM_018127.7 (MANE Select).
Protein change: p.Thr520Met; replaces threonine 520 with methionine.
Molecular consequence: missense variant.
Genome position: GRCh38 VCF-style: chr17-12996646-TG-CA. GRCh37 (hg19) VCF-style: chr17-12899963-TG-CA.
Other names: c.1439_1440inv, p.Thr480Met (NM_001165962.2); c.1556_1557inv, p.Thr519Met (NM_173717.2); short protein forms T480M, T520M, T519M.
Identifiers: ClinVar variation 1373989 (VCV001373989.5), ClinGen allele CA2573153054.
Genomic context (GRCh38, chr17:12,996,646, plus strand): 5'-AGCCAGGGTGCCCAGGACCCTGTCCACCTGGTCTCCGTAATGACGGCACAGCTGCCCAAA[TG>CA]TGCCCTCACCACAGTCCAGTAGCAGAGACGTGTCGGGGCTGCAGAAGAGAAGAGGAAGAG-3'
Protein context (NP_060597.4, residues 510-530): TSLLLDCGEG[Thr520Met]FGQLCRHYGD